The following is an entry in ClinVar:

NM_006063.3(KLHL41):c.959C>A (p.Thr320Lys)

Gene: KLHL41 (kelch like family member 41; plus strand). Cytogenetic location: 2q31.1.
Variant type: single nucleotide variant.
Coding change: c.959C>A on transcript NM_006063.3 (MANE Select); coding-DNA position 959, C replaced by A.
Protein change: p.Thr320Lys; replaces threonine 320 with lysine.
Molecular consequence: missense variant.
Genome position (GRCh38, 1-based): chr2:169,510,737, C>A. VCF-style: chr2-169510737-C-A. GRCh37 (hg19) VCF-style: chr2-170367247-C-A.
Other names: short protein forms T320K.
Identifiers: ClinVar variation 474877 (VCV000474877.7), dbSNP rs781536513, ClinGen allele CA349177340.

ClinVar aggregate classification (germline): Uncertain significance (1 of 4 stars; one submission).

Conditions:
Nemaline myopathy 9 (NEM9). Identifiers: MedGen C3810384, MONDO:0014326, OMIM 615731.

gnomAD v4.1: 1 of 1,614,164 alleles (0.000062%); highest among the groups gnomAD compares: South Asian, 0.0011%; no homozygotes.

Submission:

Labcorp Genetics (formerly Invitae), Labcorp
Classification: Uncertain significance for Nemaline myopathy 9. Last evaluated: 2022-02-05. Review status: criteria provided, single submitter. Criteria: Invitae Variant Classification Sherloc (09022015). Collection method: clinical testing. Allele origin: germline.
Comment: This sequence change replaces threonine, which is neutral and polar, with lysine, which is basic and polar, at codon 320 of the KLHL41 protein (p.Thr320Lys). This variant is not present in population databases (gnomAD no frequency). This variant has not been reported in the literature in individuals affected with KLHL41-related conditions. ClinVar contains an entry for this variant (Variation ID: 474877). Algorithms developed to predict the effect of missense changes on protein structure and function (SIFT, PolyPhen-2, Align-GVGD) all suggest that this variant is likely to be tolerated. Algorithms developed to predict the effect of sequence changes on RNA splicing suggest that this variant may create or strengthen a splice site. In summary, the available evidence is currently insufficient to determine the role of this variant in disease. Therefore, it has been classified as a Variant of Uncertain Significance.